The following is an entry in ClinVar:

NM_022437.3(ABCG8):c.1756+6G>A

Gene: ABCG8 (ATP binding cassette subfamily G member 8; plus strand). Cytogenetic location: 2p21.
Variant type: single nucleotide variant.
Coding change: c.1756+6G>A on transcript NM_022437.3 (MANE Select); 6 bases into the intron after coding-DNA position 1756, G replaced by A.
Molecular consequence: intron variant.
Genome position (GRCh38, 1-based): chr2:43,875,419, G>A. VCF-style: chr2-43875419-G-A. GRCh37 (hg19) VCF-style: chr2-44102558-G-A.
Other names: c.1753+6G>A (NM_001357321.2); c.1756+6G>A (NM_022437.2).
Identifiers: ClinVar variation 287361 (VCV000287361.13), dbSNP rs375563605, ClinGen allele CA1637619.

ClinVar aggregate classification (germline): Conflicting classifications of pathogenicity. Review status: criteria provided, conflicting classifications (1 of 4 stars). 4 submissions from 4 submitters: Uncertain significance (2); Likely benign (1). 1 of the submissions does not count toward it. Last evaluated 2024-06-24.

Conditions:
ABCG8-related disorder. Also called: ABCG8-related condition.
Sitosterolemia 1. Identifiers: MedGen C2749759, MONDO:0020747, OMIM 210250.

Allele frequency attached by ClinVar (database versions not stated): ESP Exome Variant Server 0.00008.
gnomAD v4.1: 52 of 1,611,530 alleles (0.0032%); highest among the groups gnomAD compares: Admixed American, 0.068%; no homozygotes.

Submissions (4):

Revvity Omics, Revvity
Classification: Likely benign for Sitosterolemia 1. Last evaluated: 2024-06-24. Review status: criteria provided, single submitter. Criteria: ACMG Guidelines, 2015. Collection method: clinical testing. Allele origin: germline.

Labcorp Genetics (formerly Invitae), Labcorp
Classification: Uncertain significance. Last evaluated: 2023-10-14. Review status: criteria provided, single submitter. Criteria: Invitae Variant Classification Sherloc (09022015). Collection method: clinical testing. Allele origin: germline.
Comment: This sequence change falls in intron 11 of the ABCG8 gene. It does not directly change the encoded amino acid sequence of the ABCG8 protein. It affects a nucleotide within the consensus splice site. This variant is present in population databases (rs375563605, gnomAD 0.1%). This variant has not been reported in the literature in individuals affected with ABCG8-related conditions. ClinVar contains an entry for this variant (Variation ID: 287361). Variants that disrupt the consensus splice site are a relatively common cause of aberrant splicing (PMID: 17576681, 9536098). Algorithms developed to predict the effect of sequence changes on RNA splicing suggest that this variant is not likely to affect RNA splicing. In summary, the available evidence is currently insufficient to determine the role of this variant in disease. Therefore, it has been classified as a Variant of Uncertain Significance.

Eurofins Ntd Llc (ga)
Classification: Uncertain significance. Last evaluated: 2016-04-05. Review status: criteria provided, single submitter. Criteria: EGL Classification Definitions 2015. Collection method: clinical testing. Allele origin: germline. Observed: 2 variant alleles, 2 heterozygotes.

PreventionGenetics, part of Exact Sciences
Classification: Likely benign for ABCG8-related condition. Last evaluated: 2021-06-21. Review status: no assertion criteria provided. Collection method: clinical testing. Allele origin: germline. Not counted in ClinVar's aggregate classification.
Comment: This variant is classified as likely benign based on ACMG/AMP sequence variant interpretation guidelines (Richards et al. 2015 PMID: 25741868, with internal and published modifications).

Literature cited by the submitters: PubMed 17576681 (cited by Labcorp Genetics (formerly Invitae), Labcorp); PubMed 9536098 (cited by Labcorp Genetics (formerly Invitae), Labcorp).